The following is an entry in ClinVar:

NM_015450.3(POT1):c.124+1G>C

Gene: POT1 (protection of telomeres 1; minus strand). Cytogenetic location: 7q31.33.
Variant type: single nucleotide variant.
Coding change: c.124+1G>C on transcript NM_015450.3 (MANE Select); the canonical splice donor site of the intron after coding-DNA position 124, G replaced by C.
Molecular consequence: splice donor variant.
Genome position (GRCh38, 1-based): chr7:124,892,265, C>G on the plus strand (G>C on the coding strand, the complement: POT1 is on the minus strand). VCF-style: chr7-124892265-C-G. GRCh37 (hg19) VCF-style: chr7-124532319-C-G.
Other names: c.-139+1G>C (NM_001042594.2).
Identifiers: ClinVar variation 583067 (VCV000583067.13), dbSNP rs1563008413, ClinGen allele CA369065923.

ClinVar aggregate classification (germline): Pathogenic/Likely pathogenic. Review status: criteria provided, multiple submitters, no conflicts (2 of 4 stars). 3 submissions from 3 submitters: Pathogenic (1); Likely pathogenic (2). Last evaluated 2025-12-08.

Conditions:
Tumor predisposition syndrome 3 (TPDS3). Also called: Melanoma, cutaneous malignant, susceptibility to, 10; LONG TELOMERE SYNDROME, POT1-RELATED; POT1 Tumor Predisposition; Glioma susceptibility 9. Identifiers: Orphanet 618, MedGen C4014476, MONDO:0014368, OMIM 615848.
Hereditary cancer-predisposing syndrome. Also called: Tumor predisposition; Neoplastic Syndromes, Hereditary; Hereditary neoplastic syndrome; Hereditary Cancer Syndrome. Identifiers: Orphanet 140162, MedGen C0027672, MeSH D009386, MONDO:0015356.

Submissions (3):

Labcorp Genetics (formerly Invitae), Labcorp
Classification: Likely pathogenic for Tumor predisposition syndrome 3. Last evaluated: 2025-12-08. Review status: criteria provided, single submitter. Criteria: Invitae Variant Classification Sherloc (09022015). Collection method: clinical testing. Allele origin: germline.
Comment: This sequence change affects a donor splice site in intron 6 of the POT1 gene. RNA analysis indicates that disruption of this splice site induces altered splicing and may result in an absent or altered protein product. This variant is not present in population databases (gnomAD no frequency). This variant has not been reported in the literature in individuals affected with POT1-related conditions. ClinVar contains an entry for this variant (Variation ID: 583067). Studies have shown that disruption of this splice site results in activation of a cryptic splice site, and produces a non-functional protein and/or introduces a premature termination codon (internal data). In summary, the currently available evidence indicates that the variant is pathogenic, but additional data are needed to prove that conclusively. Therefore, this variant has been classified as Likely Pathogenic.

Ambry Genetics
Classification: Likely pathogenic for Hereditary cancer-predisposing syndrome. Last evaluated: 2025-09-23. Review status: criteria provided, single submitter. Criteria: Ambry Variant Classification Scheme 2023. Collection method: clinical testing. Allele origin: germline.
Comment: The c.124+1G>C intronic variant results from a G to C substitution one nucleotide after coding exon 2 of the POT1 gene. In silico splice site analysis predicts that this alteration will weaken the native splice donor site. RNA studies have demonstrated that this alteration results in abnormal splicing in the set of samples tested (Ambry internal data). The stop codon in the resulting transcript occurs in the 5' end ofthe POT1 gene. As such, this alteration may escape nonsense-mediated mRNAdecay and/or be prone to rescue by reinitiation (Rivas et al. Science. 2015 May 8;348(6235):666-9; Lindeboom et al. Nat Genet. 2016 Oct;48(10):1112-8; Rhee et al. Sci Rep. 2017 May 10;7(1):1653). The exact functional effect of this alteration is unknown; however, the impacted region is critical for protein function (Ambry internal data). This variant is considered to be rare based on population cohorts in the Genome Aggregation Database (gnomAD). This nucleotide position is highly conserved in available vertebrate species. Based on the majority of available evidence to date, this variant is likely to be pathogenic.

GeneDx
Classification: Pathogenic. Last evaluated: 2023-10-23. Review status: criteria provided, single submitter. Criteria: GeneDx Variant Classification Process June 2021. Collection method: clinical testing. Allele origin: germline. Affected: yes.
Comment: Canonical splice site variant predicted to result in a null allele in a gene for which loss-of-function is a known mechanism of disease; Not observed at significant frequency in large population cohorts (gnomAD); Has not been previously published as pathogenic or benign to our knowledge